The following is an entry in ClinVar:

NM_020719.3(PRR12):c.5659G>T (p.Gly1887Cys)

Gene: PRR12 (proline rich 12; plus strand). Cytogenetic location: 19q13.33.
Variant type: single nucleotide variant.
Coding change: c.5659G>T on transcript NM_020719.3 (MANE Select); coding-DNA position 5659, G replaced by T.
Protein change: p.Gly1887Cys; replaces glycine 1887 with cysteine.
Molecular consequence: missense variant.
Genome position (GRCh38, 1-based): chr19:49,621,560, G>T. VCF-style: chr19-49621560-G-T. GRCh37 (hg19) VCF-style: chr19-50124817-G-T.
Other names: short protein forms G1887C.
Identifiers: ClinVar variation 3383814 (VCV003383814.1).

ClinVar aggregate classification (germline): Uncertain significance (1 of 4 stars; one submission).

Submission:

GeneDx
Classification: Uncertain significance. Last evaluated: 2024-05-31. Review status: criteria provided, single submitter. Criteria: GeneDx Variant Classification Process June 2021. Collection method: clinical testing. Allele origin: germline. Affected: yes.
Comment: Not observed at significant frequency in large population cohorts (gnomAD); In silico analysis supports that this missense variant has a deleterious effect on protein structure/function; Has not been previously published as pathogenic or benign to our knowledge